The following is an entry in ClinVar:

ClinVar aggregate classification (germline): Likely benign (1 of 4 stars; one submission).

Allele frequency attached by ClinVar (database versions not stated): gnomAD exomes 0.00007; gnomAD 0.00013; TOPMed 0.00013; ESP Exome Variant Server 0.00015; ExAC 0.00018.
gnomAD v4.1: 143 of 1,613,320 alleles (0.0089%); highest among the groups gnomAD compares: East Asian, 0.0067%; no homozygotes.

Submission:

CeGaT Center for Human Genetics Tuebingen
Classification: Likely benign. Last evaluated: 2023-07-01. Review status: criteria provided, single submitter. Criteria: CeGaT Center For Human Genetics Tuebingen Variant Classification Criteria Version 2. Collection method: clinical testing. Allele origin: germline. Affected: yes. Observed: 1 variant allele.
Comment: CATSPERT: BP4, BP7

NM_001168221.2(CATSPERT):c.1317C>T (p.Pro439=)

Gene: CATSPERT (catsper channel auxiliary subunit tau; minus strand). Cytogenetic location: 2q33.1.
Variant type: single nucleotide variant.
Coding change: c.1317C>T on transcript NM_001168221.2 (MANE Select); coding-DNA position 1317, C replaced by T.
Protein change: p.Pro439=; no amino-acid change (proline 439 retained).
Molecular consequence: synonymous variant. On other transcripts: intron variant (1).
Genome position (GRCh38, 1-based): chr2:201,536,210, G>A on the plus strand (C>T on the coding strand, the complement: CATSPERT is on the minus strand). VCF-style: chr2-201536210-G-A. GRCh37 (hg19) VCF-style: chr2-202400933-G-A.
Other names: c.1317C>T, p.Pro439= (NM_001168217.2, NM_152525.6); c.1162+9333C>T (NM_001168216.2).
Identifiers: ClinVar variation 2651822 (VCV002651822.24), dbSNP rs201501497, ClinGen allele CA2055735.